The following is an entry in ClinVar:

ClinVar aggregate classification (germline): Uncertain significance (1 of 4 stars; one submission).

Submission:

GeneDx
Classification: Uncertain significance. Last evaluated: 2022-01-25. Review status: criteria provided, single submitter. Criteria: GeneDx Variant Classification Process June 2021. Collection method: clinical testing. Allele origin: germline. Affected: yes.
Comment: Not observed at significant frequency in large population cohorts (gnomAD); In silico analysis supports that this missense variant has a deleterious effect on protein structure/function; Has not been previously published as pathogenic or benign to our knowledge

NM_001394062.1(MACF1):c.20930C>G (p.Ala6977Gly)

Gene: MACF1 (microtubule actin crosslinking factor 1; plus strand). Cytogenetic location: 1p34.3.
Variant type: single nucleotide variant.
Coding change: c.20930C>G on transcript NM_001394062.1 (MANE Select); coding-DNA position 20930, C replaced by G.
Protein change: p.Ala6977Gly; replaces alanine 6977 with glycine.
Molecular consequence: missense variant.
Genome position (GRCh38, 1-based): chr1:39,454,952, C>G. VCF-style: chr1-39454952-C-G. GRCh37 (hg19) VCF-style: chr1-39920624-C-G.
Other names: c.9008C>G, p.Ala3003Gly (NM_001397473.1); c.14753C>G, p.Ala4918Gly (NM_012090.5); short protein forms A3003G, A4918G, A6977G.
Identifiers: ClinVar variation 1698266 (VCV001698266.2), dbSNP rs2148685124, ClinGen allele CA339765602.